The following is an entry in ClinVar:

ClinVar aggregate classification (germline): Uncertain significance. Review status: criteria provided, multiple submitters, no conflicts (2 of 4 stars). 2 submissions from 2 submitters: Uncertain significance (2). Last evaluated 2025-12-21.

Conditions:
Deficiency of isobutyryl-CoA dehydrogenase. Also called: ACYL-CoA DEHYDROGENASE FAMILY, MEMBER 8, DEFICIENCY OF; IBD DEFICIENCY; ACAD8 DEFICIENCY. Identifiers: Orphanet 79159, MedGen C1969809, MONDO:0012648, OMIM 611283.

Allele frequency attached by ClinVar (database versions not stated): TOPMed 0.00004; gnomAD 0.00005 and 0.00006; ExAC 0.00007; gnomAD exomes 0.00008 and 0.00011; ESP Exome Variant Server 0.00015.
gnomAD v4.1: 166 of 1,613,986 alleles (0.01%); highest among the groups gnomAD compares: Non-Finnish European, 0.014%; no homozygotes.

Submissions (2):

Labcorp Genetics (formerly Invitae), Labcorp
Classification: Uncertain significance for Deficiency of isobutyryl-CoA dehydrogenase. Last evaluated: 2025-12-21. Review status: criteria provided, single submitter. Criteria: Invitae Variant Classification Sherloc (09022015). Collection method: clinical testing. Allele origin: germline.
Comment: This sequence change replaces glutamine, which is neutral and polar, with arginine, which is basic and polar, at codon 385 of the ACAD8 protein (p.Gln385Arg). The frequency data for this variant in the population databases is considered unreliable, as metrics indicate poor data quality at this position in the gnomAD database. This missense change has been observed in individual(s) with isobutyryl-CoA dehydrogenase deficiency (PMID: 16857760). ClinVar contains an entry for this variant (Variation ID: 1007659). Invitae Evidence Modeling of protein sequence and biophysical properties (such as structural, functional, and spatial information, amino acid conservation, physicochemical variation, residue mobility, and thermodynamic stability) indicates that this missense variant is expected to disrupt ACAD8 protein function with a positive predictive value of 95%. In summary, the available evidence is currently insufficient to determine the role of this variant in disease. Therefore, it has been classified as a Variant of Uncertain Significance.

GeneDx
Classification: Uncertain significance. Last evaluated: 2025-01-31. Review status: criteria provided, single submitter. Criteria: GeneDx Variant Classification Process June 2021. Collection method: clinical testing. Allele origin: germline. Affected: yes.
Comment: In silico analysis supports that this missense variant has a deleterious effect on protein structure/function; This variant is associated with the following publications: (PMID: 33432785, 16857760)

Literature cited by the submitters: PubMed 16857760 (cited by Labcorp Genetics (formerly Invitae), Labcorp).

NM_014384.3(ACAD8):c.1154A>G (p.Gln385Arg)

Gene: ACAD8 (acyl-CoA dehydrogenase family member 8; plus strand). Cytogenetic location: 11q25.
Variant type: single nucleotide variant.
Coding change: c.1154A>G on transcript NM_014384.3 (MANE Select); coding-DNA position 1154, A replaced by G.
Protein change: p.Gln385Arg; replaces glutamine 385 with arginine.
Molecular consequence: missense variant.
Genome position (GRCh38, 1-based): chr11:134,262,581, A>G. VCF-style: chr11-134262581-A-G. GRCh37 (hg19) VCF-style: chr11-134132475-A-G.
Other names: c.1154A>G (NM_014384.2); short protein forms Q385R.
Identifiers: ClinVar variation 1007659 (VCV001007659.8), dbSNP rs367996531, ClinGen allele CA6373242.